The following is an entry in ClinVar:

ClinVar aggregate classification (germline): Uncertain significance (1 of 4 stars; one submission).

Conditions:
Growth hormone insensitivity with immune dysregulation 1, autosomal recessive. Also called: GROWTH HORMONE INSENSITIVITY DUE TO POSTRECEPTOR DEFECT; Laron syndrome with immunodeficiency; LARON SYNDROME DUE TO POSTRECEPTOR DEFECT; GROWTH HORMONE INSENSITIVITY SYNDROME WITH IMMUNE DYSREGULATION 1, AUTOSOMAL RECESSIVE. Identifiers: Orphanet 220465, MedGen C5435698, MONDO:0100211, OMIM 245590.

Submission:

Labcorp Genetics (formerly Invitae), Labcorp
Classification: Uncertain significance for Growth hormone insensitivity with immune dysregulation 1, autosomal recessive. Last evaluated: 2022-12-25. Review status: criteria provided, single submitter. Criteria: Invitae Variant Classification Sherloc (09022015). Collection method: clinical testing. Allele origin: germline.
Comment: This sequence change replaces alanine, which is neutral and non-polar, with valine, which is neutral and non-polar, at codon 7 of the STAT5B protein (p.Ala7Val). This variant is not present in population databases (gnomAD no frequency). This variant has not been reported in the literature in individuals affected with STAT5B-related conditions. Advanced modeling of protein sequence and biophysical properties (such as structural, functional, and spatial information, amino acid conservation, physicochemical variation, residue mobility, and thermodynamic stability) performed at Invitae indicates that this missense variant is not expected to disrupt STAT5B protein function. In summary, the available evidence is currently insufficient to determine the role of this variant in disease. Therefore, it has been classified as a Variant of Uncertain Significance.

NM_012448.4(STAT5B):c.20C>T (p.Ala7Val)

Gene: STAT5B (signal transducer and activator of transcription 5B; minus strand). Cytogenetic location: 17q21.2.
Variant type: single nucleotide variant.
Coding change: c.20C>T on transcript NM_012448.4 (MANE Select); coding-DNA position 20, C replaced by T.
Protein change: p.Ala7Val; replaces alanine 7 with valine.
Molecular consequence: missense variant.
Genome position (GRCh38, 1-based): chr17:42,232,108, G>A on the plus strand (C>T on the coding strand, the complement: STAT5B is on the minus strand). VCF-style: chr17-42232108-G-A. GRCh37 (hg19) VCF-style: chr17-40384126-G-A.
Other names: short protein forms A7V.
Identifiers: ClinVar variation 2824201 (VCV002824201.3), dbSNP rs2508803909, ClinGen allele CA399594289.